The following is an entry in ClinVar:

NM_006206.6(PDGFRA):c.2215A>G (p.Thr739Ala)

Gene: PDGFRA (platelet derived growth factor receptor alpha; plus strand). Cytogenetic location: 4q12.
Variant type: single nucleotide variant.
Coding change: c.2215A>G on transcript NM_006206.6 (MANE Select); coding-DNA position 2215, A replaced by G.
Protein change: p.Thr739Ala; replaces threonine 739 with alanine.
Molecular consequence: missense variant.
Genome position (GRCh38, 1-based): chr4:54,280,374, A>G. VCF-style: chr4-54280374-A-G. GRCh37 (hg19) VCF-style: chr4-55146541-A-G.
Other names: c.2215A>G, p.Thr739Ala (NM_001347827.2, NM_001347829.2); c.2290A>G, p.Thr764Ala (NM_001347828.2); c.2254A>G, p.Thr752Ala (NM_001347830.2); short protein forms T739A, T752A, T764A.
Identifiers: ClinVar variation 639421 (VCV000639421.12), dbSNP rs766379425, ClinGen allele CA2922788.
Genomic context (GRCh38, chr4:54,280,374, plus strand): 5'-AGCTATGTTATTTTATCTTTTGAAAACAATGGTGACTACATGGACATGAAGCAGGCTGAT[A>G]CTACACAGTATGTCCCCATGCTAGAAAGGAAAGAGGTTTCTAAATATTCCGACATCCAGA-3'
Protein context (NP_006197.1, residues 729-749): GDYMDMKQAD[Thr739Ala]TQYVPMLERK

ClinVar aggregate classification (germline): Conflicting classifications of pathogenicity. Review status: criteria provided, conflicting classifications (1 of 4 stars). 4 submissions from 4 submitters: Uncertain significance (3); Benign (1). Last evaluated 2026-10-01.

Conditions:
Gastrointestinal stromal tumor. Also called: Gastrointestinal stroma tumor; Gastrointestinal stromal tumor, somatic. Identifiers: Orphanet 44890, MedGen C0238198, MeSH D046152, MONDO:0011719, OMIM 606764, HP:0100723.
Polyps, multiple and recurrent inflammatory fibroid, gastrointestinal. Identifiers: MedGen C5193005, MONDO:0008285, OMIM 175510.
Hereditary cancer-predisposing syndrome. Also called: Hereditary Cancer Syndrome; Neoplastic Syndromes, Hereditary; Tumor predisposition; Hereditary neoplastic syndrome. Identifiers: Orphanet 140162, MedGen C0027672, MeSH D009386, MONDO:0015356.

Allele frequency attached by ClinVar (database versions not stated): gnomAD exomes 0.00001; ExAC 0.00002.
gnomAD v4.1: 3 of 1,612,852 alleles (0.00019%); highest among the groups gnomAD compares: South Asian, 0.0022%; no homozygotes.

Submissions (4):

St. Jude Molecular Pathology, St. Jude Children's Research Hospital
Classification: Uncertain significance for Polyps, multiple and recurrent inflammatory fibroid, gastrointestinal. Last evaluated: 2026-10-01. Review status: criteria provided, single submitter. Criteria: St. Jude Assertion Criteria 2020. Collection method: clinical testing. Allele origin: germline.
Comment: The PDGFRA c.2215A>G p.(Thr739Ala) missense change has a maximum sub population frequency of 0.007% in gnomAD v2.1.1. The in silico tool REVEL predicts a benign effect on protein function, but to our knowledge this prediction has not been confirmed by functional studies. To our knowled ge, this variant has not been reported in individuals with PDGFRA-related conditions. In summary, the evidence currently available is insufficient to determine the clinical significance of this variant. It has therefore been classified as of uncertain si gnificance.

Labcorp Genetics (formerly Invitae), Labcorp
Classification: Uncertain significance for Gastrointestinal stromal tumor. Last evaluated: 2025-10-02. Review status: criteria provided, single submitter. Criteria: Invitae Variant Classification Sherloc (09022015). Collection method: clinical testing. Allele origin: germline.
Comment: This sequence change replaces threonine, which is neutral and polar, with alanine, which is neutral and non-polar, at codon 739 of the PDGFRA protein (p.Thr739Ala). This variant is present in population databases (rs766379425, gnomAD 0.006%). This variant has not been reported in the literature in individuals affected with PDGFRA-related conditions. ClinVar contains an entry for this variant (Variation ID: 639421). Invitae Evidence Modeling of protein sequence and biophysical properties (such as structural, functional, and spatial information, amino acid conservation, physicochemical variation, residue mobility, and thermodynamic stability) indicates that this missense variant is not expected to disrupt PDGFRA protein function with a negative predictive value of 80%. In summary, the available evidence is currently insufficient to determine the role of this variant in disease. Therefore, it has been classified as a Variant of Uncertain Significance.

Ambry Genetics
Classification: Benign for Hereditary cancer-predisposing syndrome. Last evaluated: 2024-10-28. Review status: criteria provided, single submitter. Criteria: Ambry Variant Classification Scheme 2023. Collection method: clinical testing. Allele origin: germline.

Baylor Genetics
Classification: Uncertain significance for Polyps, multiple and recurrent inflammatory fibroid, gastrointestinal. Last evaluated: 2024-01-14. Review status: criteria provided, single submitter. Criteria: ACMG Guidelines, 2015. Collection method: clinical testing. Allele origin: unknown.